The following is an entry in ClinVar:

NM_001605.3(AARS1):c.2233A>C (p.Ile745Leu)

Gene: AARS1 (alanyl-tRNA synthetase 1; minus strand). Cytogenetic location: 16q22.1.
Variant type: single nucleotide variant.
Coding change: c.2233A>C on transcript NM_001605.3 (MANE Select); coding-DNA position 2233, A replaced by C.
Protein change: p.Ile745Leu; replaces isoleucine 745 with leucine.
Molecular consequence: missense variant.
Genome position (GRCh38, 1-based): chr16:70,255,781, T>G on the plus strand (A>C on the coding strand, the complement: AARS1 is on the minus strand). VCF-style: chr16-70255781-T-G. GRCh37 (hg19) VCF-style: chr16-70289684-T-G.
Other names: short protein forms I745L.
Identifiers: ClinVar variation 2055251 (VCV002055251.4), dbSNP rs1247997448, ClinGen allele CA396556962.

ClinVar aggregate classification (germline): Uncertain significance (1 of 4 stars; one submission).

Conditions:
Charcot-Marie-Tooth disease type 2. Also called: Charcot-Marie-Tooth type 2. Identifiers: Orphanet 64746, MedGen C0270914, MONDO:0018993.

Submission:

Labcorp Genetics (formerly Invitae), Labcorp
Classification: Uncertain significance for Charcot-Marie-Tooth disease type 2. Last evaluated: 2021-12-29. Review status: criteria provided, single submitter. Criteria: Invitae Variant Classification Sherloc (09022015). Collection method: clinical testing. Allele origin: germline.
Comment: This sequence change replaces isoleucine, which is neutral and non-polar, with leucine, which is neutral and non-polar, at codon 745 of the AARS protein (p.Ile745Leu). This variant is present in population databases (no rsID available, gnomAD 0.003%). This variant has not been reported in the literature in individuals affected with AARS-related conditions. Algorithms developed to predict the effect of missense changes on protein structure and function are either unavailable or do not agree on the potential impact of this missense change (SIFT: "Deleterious"; PolyPhen-2: "Benign"; Align-GVGD: "Class C0"). In summary, the available evidence is currently insufficient to determine the role of this variant in disease. Therefore, it has been classified as a Variant of Uncertain Significance.